The following is an entry in ClinVar:

GRCh37/hg19 Xq28(chrX:153761240-155227607)

Genes: BRCC3 (BRCA1/BRCA2-containing complex subunit 3; plus strand), CLIC2 (chloride intracellular channel 2; minus strand), CMC4 (C-X9-C motif containing 4; minus strand), CTAG1A (cancer/testis antigen 1A; plus strand), CTAG1B (cancer/testis antigen 1B; minus strand) and 19 more. Cytogenetic location: Xq28.
Variant type: copy number loss.
Identifiers: ClinVar variation 625803 (VCV000625803.1).

ClinVar aggregate classification (germline): Likely pathogenic (1 of 4 stars; one submission).

Submission:

Baylor Genetics
Classification: Likely pathogenic. Last evaluated: 2018-11-01. Review status: criteria provided, single submitter. Criteria: ACMG CNV Guidelines, 2011. Collection method: clinical testing. Allele origin: germline. Observed: 1 variant allele.